The following is an entry in ClinVar:

ClinVar aggregate classification (germline): Uncertain significance (1 of 4 stars; one submission).

Conditions:
Niemann-Pick disease, type C1. Also called: NIEMANN-PICK DISEASE, VARIANT TYPE C1; NEUROVISCERAL STORAGE DISEASE WITH VERTICAL SUPRANUCLEAR OPHTHALMOPLEGIA; NIEMANN-PICK DISEASE WITH CHOLESTEROL ESTERIFICATION BLOCK; NIEMANN-PICK DISEASE WITHOUT SPHINGOMYELINASE DEFICIENCY; NIEMANN-PICK DISEASE, CHRONIC NEURONOPATHIC FORM. Identifiers: Orphanet 646, MedGen C3179455, MONDO:0009757, OMIM 257220.

Submission:

Labcorp Genetics (formerly Invitae), Labcorp
Classification: Uncertain significance for Niemann-Pick disease, type C1. Last evaluated: 2021-09-28. Review status: criteria provided, single submitter. Criteria: Invitae Variant Classification Sherloc (09022015). Collection method: clinical testing. Allele origin: germline.
Comment: In summary, the available evidence is currently insufficient to determine the role of this variant in disease. Therefore, it has been classified as a Variant of Uncertain Significance. Algorithms developed to predict the effect of missense changes on protein structure and function (SIFT, PolyPhen-2, Align-GVGD) all suggest that this variant is likely to be tolerated. This missense change has been observed in individual(s) with adult-onset Niemann-Pick disease type C (PMID: 32138288). This variant is not present in population databases (ExAC no frequency). This sequence change replaces arginine with serine at codon 997 of the NPC1 protein (p.Arg997Ser). The arginine residue is moderately conserved and there is a moderate physicochemical difference between arginine and serine.

Literature cited by the submitters: PubMed 32138288.

NM_000271.5(NPC1):c.2991A>T (p.Arg997Ser)

Gene: NPC1 (NPC intracellular cholesterol transporter 1; minus strand). Cytogenetic location: 18q11.2.
Variant type: single nucleotide variant.
Coding change: c.2991A>T on transcript NM_000271.5 (MANE Select); coding-DNA position 2991, A replaced by T.
Protein change: p.Arg997Ser; replaces arginine 997 with serine.
Molecular consequence: missense variant.
Genome position (GRCh38, 1-based): chr18:23,538,592, T>A on the plus strand (A>T on the coding strand, the complement: NPC1 is on the minus strand). VCF-style: chr18-23538592-T-A. GRCh37 (hg19) VCF-style: chr18-21118556-T-A.
Other names: short protein forms R997S.
Identifiers: ClinVar variation 1510885 (VCV001510885.4), dbSNP rs2145366523, ClinGen allele CA401792187.
Genomic context (GRCh38, chr18:23,538,592, plus strand): 5'-CAGCACTTACCCTTTGCCACACTTGGGGTTAGGGTTATCCGAAAGGAACATGGGCAGGAA[T>A]CTCATGAAGTCTCCCCCCTGAGGCCTCTGTTTGCCTTCCGGAGTCAGAGGCCTGCAGCGA-3'
Protein context (NP_000262.2, residues 987-1007): KQRPQGGDFM[Arg997Ser]FLPMFLSDNP